The following is an entry in ClinVar:

ClinVar aggregate classification (germline): Pathogenic (1 of 4 stars; one submission).

Conditions:
Ataxia-telangiectasia syndrome (AT). Also called: Ataxia-telangiectasia; AT, COMPLEMENTATION GROUP C; ATAXIA-TELANGIECTASIA, FRESNO VARIANT; Ataxia-telangiectasia, complementation group D; Ataxia-telangiectasia, complementation group E; LOUIS-BAR SYNDROME. Identifiers: Orphanet 100, MedGen C0004135, MONDO:0008840, OMIM 208900.

Submission:

Labcorp Genetics (formerly Invitae), Labcorp
Classification: Pathogenic for Ataxia-telangiectasia syndrome. Last evaluated: 2022-08-09. Review status: criteria provided, single submitter. Criteria: Invitae Variant Classification Sherloc (09022015). Collection method: clinical testing. Allele origin: germline.
Comment: This variant has not been reported in the literature in individuals affected with ATM-related conditions. This variant is not present in population databases (gnomAD no frequency). This sequence change creates a premature translational stop signal (p.Lys810Serfs*2) in the ATM gene. It is expected to result in an absent or disrupted protein product. Loss-of-function variants in ATM are known to be pathogenic (PMID: 23807571, 25614872). For these reasons, this variant has been classified as Pathogenic.

Literature cited by the submitters: PubMed 23807571; PubMed 25614872.

NM_000051.4(ATM):c.2429del (p.Lys810fs)

Gene: ATM (ATM serine/threonine kinase; plus strand). Cytogenetic location: 11q22.3.
Variant type: Deletion.
Coding change: c.2429del on transcript NM_000051.4 (MANE Select); coding-DNA position 2429, one base deleted (A; older notation c.2429delA).
Protein change: p.Lys810fs; shifts the reading frame from lysine 810.
Molecular consequence: frameshift variant.
Genome position (GRCh38, 1-based): chr11:108,259,038, A deleted; the last of 3 consecutive A bases (chr11:108,259,036-108,259,038); deleting any one gives the same sequence. VCF-style (leftmost placement, unchanged base first): chr11-108259035-CA-C. GRCh37 (hg19) VCF-style: chr11-108129762-CA-C.
Other names: c.2429del, p.Lys810fs (NM_001351834.2); short protein forms K810fs.
Identifiers: ClinVar variation 2023312 (VCV002023312.4), dbSNP rs2497419319, ClinGen allele CA2580083365.